The following is an entry in ClinVar:

NM_004415.4(DSP):c.7503_7508del (p.Cys2501_Glu2502del)

Gene: DSP (desmoplakin; plus strand). Cytogenetic location: 6p24.3.
Variant type: Deletion.
Coding change: c.7503_7508del on transcript NM_004415.4 (MANE Select); coding-DNA positions 7503 to 7508, 6 bases deleted (TGAATG; older notation c.7503_7508delTGAATG).
Protein change: p.Cys2501_Glu2502del.
Molecular consequence: inframe deletion.
Genome position (GRCh38, 1-based): chr6:7,584,765-7,584,770, TGAATG deleted; deleting any 6 consecutive bases within chr6:7,584,760-7,584,770 gives the same sequence; the c. name uses the placement nearest the transcript's 3' end. VCF-style (leftmost placement, unchanged base first): chr6-7584759-GGAATGT-G. GRCh37 (hg19) VCF-style: chr6-7584992-GGAATGT-G.
Other names: c.6174_6179del, p.Cys2058_Glu2059del (NM_001319034.2); c.5706_5711del, p.Cys1902_Glu1903del (NM_001008844.3); c.7502_7507delGTGAAT (NM_004415.3); c.7503_7508del (NM_004415.3).
Identifiers: ClinVar variation 523707 (VCV000523707.13), dbSNP rs1473818298, ClinGen allele CA658796721.

ClinVar aggregate classification (germline): Conflicting classifications of pathogenicity. Review status: criteria provided, conflicting classifications (1 of 4 stars). 4 submissions from 4 submitters: Likely pathogenic (1); Uncertain significance (3). Last evaluated 2025-08-20.

Conditions:
Arrhythmogenic cardiomyopathy with wooly hair and keratoderma. Also called: PALMOPLANTAR KERATODERMA WITH LEFT VENTRICULAR CARDIOMYOPATHY AND WOOLLY HAIR; Dilated cardiomyopathy with woolly hair and keratoderma; Carvajal syndrome; Arrhythmogenic cardiomyopathy with woolly hair and keratoderma. Identifiers: Orphanet 65282, MedGen C1854063, MONDO:0011581, OMIM 605676.
Arrhythmogenic right ventricular dysplasia 8 (ARVD8). Also called: Arrhythmogenic Right Ventricular Dysplasia/Cardiomyopathy 8; ARRHYTHMOGENIC RIGHT VENTRICULAR CARDIOMYOPATHY 8; ARRHYTHMOGENIC RIGHT VENTRICULAR DYSPLASIA, FAMILIAL, 8. Identifiers: MedGen C1843896, MONDO:0011831, OMIM 607450.
Cardiomyopathy (CMYO). Also called: Cardiomyopathies. Identifiers: Orphanet 167848, MedGen C0878544, MONDO:0004994, HP:0001638. Inheritance: Various modes of inheritance.
Cardiovascular phenotype. Identifiers: MedGen CN230736.

Submissions (4):

Color Diagnostics, LLC DBA Color Health
Classification: Uncertain significance for Cardiomyopathy. Last evaluated: 2025-08-20. Review status: criteria provided, single submitter. Criteria: ACMG Guidelines, 2015. Collection method: clinical testing. Allele origin: germline.
Comment: This variant causes a deletion of 2 amino acids from the DSP protein. To our knowledge, functional studies have not been reported for this variant. This variant has not been reported in individuals affected with DSP-related disorders in the literature. This variant has not been identified in the general population by the Genome Aggregation Database (gnomAD). The available evidence is insufficient to determine the role of this variant in disease conclusively. Therefore, this variant is classified as a Variant of Uncertain Significance.

GeneDx
Classification: Uncertain significance. Last evaluated: 2024-05-29. Review status: criteria provided, single submitter. Criteria: GeneDx Variant Classification Process June 2021. Collection method: clinical testing. Allele origin: germline. Affected: yes.
Comment: Not observed at significant frequency in large population cohorts (gnomAD); In silico analysis supports that this variant does not alter protein structure/function; In-frame deletion of 2 amino acids in a non-repeat region; This variant is associated with the following publications: (PMID: 32081916, 31402444, 19863551)

Molecular Diagnostic Laboratory for Inherited Cardiovascular Disease, Montreal Heart Institute
Classification: Likely pathogenic for Cardiovascular phenotype. Last evaluated: 2023-07-24. Review status: criteria provided, single submitter. Criteria: ACMG Guidelines, 2015. Collection method: clinical testing. Allele origin: germline. Affected: yes.

Labcorp Genetics (formerly Invitae), Labcorp
Classification: Uncertain significance for Arrhythmogenic cardiomyopathy with wooly hair and keratoderma; Arrhythmogenic right ventricular dysplasia 8. Last evaluated: 2022-05-10. Review status: criteria provided, single submitter. Criteria: Invitae Variant Classification Sherloc (09022015). Collection method: clinical testing. Allele origin: germline.
Comment: This variant has been observed in individual(s) with arrhythmogenic cardiomyopathy (PMID: 19863551). ClinVar contains an entry for this variant (Variation ID: 523707). Experimental studies and prediction algorithms are not available or were not evaluated, and the functional significance of this variant is currently unknown. In summary, the available evidence is currently insufficient to determine the role of this variant in disease. Therefore, it has been classified as a Variant of Uncertain Significance. This variant, c.7503_7508del, results in the deletion of 2 amino acid(s) of the DSP protein (p.Cys2501_Glu2502del), but otherwise preserves the integrity of the reading frame. This variant is not present in population databases (gnomAD no frequency).

Literature cited by the submitters: PubMed 19863551 (cited by Labcorp Genetics (formerly Invitae), Labcorp).